The following is an entry in ClinVar:

NM_032802.4(SPPL2A):c.374G>A (p.Gly125Asp)

Gene: SPPL2A (signal peptide peptidase like 2A; minus strand). Cytogenetic location: 15q21.2.
Variant type: single nucleotide variant.
Coding change: c.374G>A on transcript NM_032802.4 (MANE Select); coding-DNA position 374, G replaced by A.
Protein change: p.Gly125Asp; replaces glycine 125 with aspartic acid.
Molecular consequence: missense variant.
Genome position (GRCh38, 1-based): chr15:50,748,189, C>T on the plus strand (G>A on the coding strand, the complement: SPPL2A is on the minus strand). VCF-style: chr15-50748189-C-T. GRCh37 (hg19) VCF-style: chr15-51040386-C-T.
Other names: c.374G>A (NM_032802.3); short protein forms G125D.
Identifiers: ClinVar variation 1425922 (VCV001425922.8), dbSNP rs376767094, ClinGen allele CA7558515.

ClinVar aggregate classification (germline): Uncertain significance. Review status: criteria provided, multiple submitters, no conflicts (2 of 4 stars). 3 submissions from 3 submitters: Uncertain significance (3). Last evaluated 2025-12-03.

Allele frequency attached by ClinVar (database versions not stated): gnomAD exomes 0.00001 and 0.00003; gnomAD 0.00003; TOPMed 0.00003; ExAC 0.00004; ESP Exome Variant Server 0.00008.
gnomAD v4.1: 21 of 1,471,838 alleles (0.0014%); highest among the groups gnomAD compares: Non-Finnish European, 0.00036%; no homozygotes.

Submissions (3):

Labcorp Genetics (formerly Invitae), Labcorp
Classification: Uncertain significance. Last evaluated: 2025-12-03. Review status: criteria provided, single submitter. Criteria: Invitae Variant Classification Sherloc (09022015). Collection method: clinical testing. Allele origin: germline.
Comment: This sequence change replaces glycine, which is neutral and non-polar, with aspartic acid, which is acidic and polar, at codon 125 of the SPPL2A protein (p.Gly125Asp). This variant is present in population databases (rs376767094, gnomAD 0.04%). This variant has not been reported in the literature in individuals affected with SPPL2A-related conditions. ClinVar contains an entry for this variant (Variation ID: 1425922). An algorithm developed to predict the effect of missense changes on protein structure and function (PolyPhen-2) suggests that this variant is likely to be tolerated. In summary, the available evidence is currently insufficient to determine the role of this variant in disease. Therefore, it has been classified as a Variant of Uncertain Significance.

Ambry Genetics
Classification: Uncertain significance. Last evaluated: 2025-08-19. Review status: criteria provided, single submitter. Criteria: Ambry Variant Classification Scheme 2023. Collection method: clinical testing. Allele origin: germline.

Breakthrough Genomics
Classification: Uncertain significance. Review status: criteria provided, single submitter. Criteria: ACMG Guidelines, 2015. Collection method: not provided. Allele origin: germline. Inheritance: Autosomal recessive inheritance. Affected: yes.